The following is an entry in ClinVar:

ClinVar aggregate classification (germline): Uncertain significance. Review status: criteria provided, multiple submitters, no conflicts (2 of 4 stars). 2 submissions from 2 submitters: Uncertain significance (2). Last evaluated 2025-08-11.

Conditions:
Inborn genetic diseases. Identifiers: MedGen C0950123, MeSH D030342.
Facioscapulohumeral muscular dystrophy 2 (FSHD2). Also called: FACIOSCAPULOHUMERAL MUSCULAR DYSTROPHY 2, DIGENIC; FSHD2, DIGENIC; MUSCULAR DYSTROPHY, FACIOSCAPULOHUMERAL, TYPE 1B. Identifiers: Orphanet 269, MedGen C1834671, MONDO:0008031, OMIM 158901.

Allele frequency attached by ClinVar (database versions not stated): ExAC 0.00001; gnomAD 0.00001.

Submissions (2):

Ambry Genetics
Classification: Uncertain significance for Inborn genetic diseases. Last evaluated: 2025-08-11. Review status: criteria provided, single submitter. Criteria: Ambry Variant Classification Scheme 2023. Collection method: clinical testing. Allele origin: germline.

Labcorp Genetics (formerly Invitae), Labcorp
Classification: Uncertain significance for Facioscapulohumeral muscular dystrophy 2. Last evaluated: 2022-08-07. Review status: criteria provided, single submitter. Criteria: Invitae Variant Classification Sherloc (09022015). Collection method: clinical testing. Allele origin: germline.
Comment: This sequence change replaces arginine, which is basic and polar, with histidine, which is basic and polar, at codon 220 of the SMCHD1 protein (p.Arg220His). This variant is not present in population databases (gnomAD no frequency). This variant has not been reported in the literature in individuals affected with SMCHD1-related conditions. Algorithms developed to predict the effect of missense changes on protein structure and function (SIFT, PolyPhen-2, Align-GVGD) all suggest that this variant is likely to be disruptive. In summary, the available evidence is currently insufficient to determine the role of this variant in disease. Therefore, it has been classified as a Variant of Uncertain Significance.

NM_015295.3(SMCHD1):c.659G>A (p.Arg220His)

Gene: SMCHD1 (structural maintenance of chromosomes flexible hinge domain containing 1; plus strand). Cytogenetic location: 18p11.32.
Variant type: single nucleotide variant.
Coding change: c.659G>A on transcript NM_015295.3 (MANE Select); coding-DNA position 659, G replaced by A.
Protein change: p.Arg220His; replaces arginine 220 with histidine.
Molecular consequence: missense variant.
Genome position (GRCh38, 1-based): chr18:2,688,414, G>A. VCF-style: chr18-2688414-G-A. GRCh37 (hg19) VCF-style: chr18-2688412-G-A.
Other names: c.659G>A (NM_015295.2); short protein forms R220H.
Identifiers: ClinVar variation 2040479 (VCV002040479.5), dbSNP rs758139987, ClinGen allele CA8870607.